The following is an entry in ClinVar:

NM_013275.6(ANKRD11):c.6616G>C (p.Glu2206Gln)

Gene: ANKRD11 (ankyrin repeat domain 11; minus strand). Cytogenetic location: 16q24.3.
Variant type: single nucleotide variant.
Coding change: c.6616G>C on transcript NM_013275.6 (MANE Select); coding-DNA position 6616, G replaced by C.
Protein change: p.Glu2206Gln; replaces glutamic acid 2206 with glutamine.
Molecular consequence: missense variant.
Genome position (GRCh38, 1-based): chr16:89,279,926, C>G on the plus strand (G>C on the coding strand, the complement: ANKRD11 is on the minus strand). VCF-style: chr16-89279926-C-G. GRCh37 (hg19) VCF-style: chr16-89346334-C-G.
Other names: c.6616G>C, p.Glu2206Gln (NM_001256182.2, NM_001256183.2); short protein forms E2206Q.
Identifiers: ClinVar variation 2828745 (VCV002828745.3), dbSNP rs2034034665, ClinGen allele CA397150372.

ClinVar aggregate classification (germline): Uncertain significance (1 of 4 stars; one submission).

Conditions:
KBG syndrome (KBGS). Also called: ANKRD11-Related KBG Syndrome. Identifiers: Orphanet 2332, MedGen C0220687, MONDO:0007846, OMIM 148050.

Allele frequency attached by ClinVar (database versions not stated): TOPMed below 0.00001.

Submission:

Labcorp Genetics (formerly Invitae), Labcorp
Classification: Uncertain significance for KBG syndrome. Last evaluated: 2023-01-15. Review status: criteria provided, single submitter. Criteria: Invitae Variant Classification Sherloc (09022015). Collection method: clinical testing. Allele origin: germline.
Comment: This sequence change replaces glutamic acid, which is acidic and polar, with glutamine, which is neutral and polar, at codon 2206 of the ANKRD11 protein (p.Glu2206Gln). This variant is not present in population databases (gnomAD no frequency). This variant has not been reported in the literature in individuals affected with ANKRD11-related conditions. Advanced modeling of protein sequence and biophysical properties (such as structural, functional, and spatial information, amino acid conservation, physicochemical variation, residue mobility, and thermodynamic stability) performed at Invitae indicates that this missense variant is not expected to disrupt ANKRD11 protein function. In summary, the available evidence is currently insufficient to determine the role of this variant in disease. Therefore, it has been classified as a Variant of Uncertain Significance.